The following is an entry in ClinVar:

NM_003954.5(MAP3K14):c.2206G>C (p.Glu736Gln)

Genes: MAP3K14 (mitogen-activated protein kinase kinase kinase 14; minus strand), MAP3K14-AS1 (MAP3K14 antisense RNA 1; plus strand), LOC126862575 (CDK7 strongly-dependent group 2 enhancer GRCh37_chr17:43344006-43345205; plus strand). Cytogenetic location: 17q21.31.
Variant type: single nucleotide variant.
Coding change: c.2206G>C on transcript NM_003954.5 (MANE Select); coding-DNA position 2206, G replaced by C.
Protein change: p.Glu736Gln; replaces glutamic acid 736 with glutamine.
Molecular consequence: missense variant.
Genome position (GRCh38, 1-based): chr17:45,267,526, C>G on the plus strand (G>C on the coding strand, the complement: MAP3K14 is on the minus strand). VCF-style: chr17-45267526-C-G. GRCh37 (hg19) VCF-style: chr17-43344893-C-G.
Other names: short protein forms E736Q.
Identifiers: ClinVar variation 1495143 (VCV001495143.6), dbSNP rs2044100625, ClinGen allele CA399875256.

ClinVar aggregate classification (germline): Uncertain significance (1 of 4 stars; one submission).

Conditions:
NIK deficiency. Also called: Primary immunodeficiency with multifaceted aberrant lymphoid immunity. Identifiers: Orphanet 447731, MedGen C5680065, MONDO:0018642.

Allele frequency attached by ClinVar (database versions not stated): gnomAD 0.00001.
gnomAD v4.1: 1 of 1,613,332 alleles (0.000062%); highest among the groups gnomAD compares: Non-Finnish European, 0.000085%; no homozygotes.

Submission:

Labcorp Genetics (formerly Invitae), Labcorp
Classification: Uncertain significance for NIK deficiency. Last evaluated: 2021-04-06. Review status: criteria provided, single submitter. Criteria: Invitae Variant Classification Sherloc (09022015). Collection method: clinical testing. Allele origin: germline.
Comment: This sequence change replaces glutamic acid with glutamine at codon 736 of the MAP3K14 protein (p.Glu736Gln). The glutamic acid residue is highly conserved and there is a small physicochemical difference between glutamic acid and glutamine. In summary, the available evidence is currently insufficient to determine the role of this variant in disease. Therefore, it has been classified as a Variant of Uncertain Significance. Experimental studies and prediction algorithms are not available or were not evaluated, and the functional significance of this variant is currently unknown. This variant has not been reported in the literature in individuals with MAP3K14-related conditions. This variant is not present in population databases (ExAC no frequency).